The following is an entry in ClinVar:

NM_022051.3(EGLN1):c.346C>T (p.Pro116Ser)

Gene: EGLN1 (egl-9 family hypoxia inducible factor 1; minus strand). Cytogenetic location: 1q42.2.
Variant type: single nucleotide variant.
Coding change: c.346C>T on transcript NM_022051.3 (MANE Select); coding-DNA position 346, C replaced by T.
Protein change: p.Pro116Ser; replaces proline 116 with serine.
Molecular consequence: missense variant.
Genome position (GRCh38, 1-based): chr1:231,421,543, G>A on the plus strand (C>T on the coding strand, the complement: EGLN1 is on the minus strand). VCF-style: chr1-231421543-G-A. GRCh37 (hg19) VCF-style: chr1-231557289-G-A.
Other names: c.346C>T, p.Pro116Ser (NM_001377260.1, NM_001377261.1); short protein forms P116S.
Identifiers: ClinVar variation 3707928 (VCV003707928.2).

ClinVar aggregate classification (germline): Uncertain significance (1 of 4 stars; one submission).

Conditions:
Erythrocytosis, familial, 3 (ECYT3). Identifiers: Orphanet 247511, MedGen C1853286, MONDO:0012353, OMIM 609820.

gnomAD v4.1: 16 of 1,305,632 alleles (0.0012%); highest among the groups gnomAD compares: African/African-American, 0.0031%; no homozygotes.

Submission:

Labcorp Genetics (formerly Invitae), Labcorp
Classification: Uncertain significance for Erythrocytosis, familial, 3. Last evaluated: 2025-06-24. Review status: criteria provided, single submitter. Criteria: Invitae Variant Classification Sherloc (09022015). Collection method: clinical testing. Allele origin: germline.
Comment: This sequence change replaces proline, which is neutral and non-polar, with serine, which is neutral and polar, at codon 116 of the EGLN1 protein (p.Pro116Ser). This variant is present in population databases (no rsID available, gnomAD 0.01%). This variant has not been reported in the literature in individuals affected with EGLN1-related conditions. ClinVar contains an entry for this variant (Variation ID: 3707928). An algorithm developed to predict the effect of missense changes on protein structure and function outputs the following: PolyPhen-2: "Possibly Damaging". The serine amino acid residue is found in multiple mammalian species, which suggests that this missense change does not adversely affect protein function. In summary, the available evidence is currently insufficient to determine the role of this variant in disease. Therefore, it has been classified as a Variant of Uncertain Significance.